The following is an entry in ClinVar:

NM_024426.6(WT1):c.1354+9G>A

Gene: WT1 (WT1 transcription factor; minus strand). Cytogenetic location: 11p13.
Variant type: single nucleotide variant.
Coding change: c.1354+9G>A on transcript NM_024426.6 (MANE Select); 9 bases into the intron after coding-DNA position 1354, G replaced by A.
Molecular consequence: intron variant.
Genome position (GRCh38, 1-based): chr11:32,392,657, C>T on the plus strand (G>A on the coding strand, the complement: WT1 is on the minus strand). VCF-style: chr11-32392657-C-T. GRCh37 (hg19) VCF-style: chr11-32414203-C-T.
Other names: c.1180+9G>A (NM_001407050.1); c.1231+9G>A (NM_001407047.1); c.1214-593G>A (NM_001407048.1); c.1303+9G>A (NM_001407049.1, NM_000378.6, NM_001407045.1); c.1348+9G>A (NM_001407044.1); c.1354+9G>A (NM_001407046.1, NM_024424.5); c.592+9G>A (NM_001407051.1); c.652+9G>A (NM_001198552.2); and 2 more.
Identifiers: ClinVar variation 414077 (VCV000414077.27), dbSNP rs765187288, ClinGen allele CA16613313.

ClinVar aggregate classification (germline): Likely benign. Review status: criteria provided, multiple submitters, no conflicts (2 of 4 stars). 4 submissions from 4 submitters: Likely benign (4). Last evaluated 2025-11-09.

Conditions:
Wilms tumor 1 (WT1). Also called: Wilms tumor, somatic. Identifiers: Orphanet 654, MedGen CN033288, MONDO:0008679, OMIM 194070.
Frasier syndrome. Identifiers: Orphanet 347, MedGen C0950122, MeSH D052159, MONDO:0007635, OMIM 136680.
Drash syndrome (DDS). Also called: NEPHROPATHY, WILMS TUMOR, AND GENITAL ANOMALIES; WILMS TUMOR AND PSEUDO- OR TRUE HERMAPHRODITISM. Identifiers: Orphanet 220, MedGen C0950121, MONDO:0008682, OMIM 194080.
11p partial monosomy syndrome (WAGR). Also called: WAGR Spectrum Disorder; CHROMOSOME 11p13 DELETION SYNDROME; WAGR syndrome; WAGR Complex. Identifiers: Orphanet 893, MedGen C0206115, MONDO:0008681, OMIM 194072.

Allele frequency attached by ClinVar (database versions not stated): TOPMed 0.00001.

Submissions (4):

Labcorp Genetics (formerly Invitae), Labcorp
Classification: Likely benign for Wilms tumor 1; Drash syndrome; 11p partial monosomy syndrome; Frasier syndrome. Last evaluated: 2025-11-09. Review status: criteria provided, single submitter. Criteria: Invitae Variant Classification Sherloc (09022015). Collection method: clinical testing. Allele origin: germline.

Center for Genomic Medicine, Rigshospitalet, Copenhagen University Hospital
Classification: Likely benign. Last evaluated: 2025-03-04. Review status: criteria provided, single submitter. Criteria: ACMG Guidelines, 2015. Collection method: clinical testing. Allele origin: germline.

KCCC/NGS Laboratory, Kuwait Cancer Control Center
Classification: Likely benign for Wilms tumor 1. Last evaluated: 2023-07-07. Review status: criteria provided, single submitter. Criteria: ACMG Guidelines, 2015. Collection method: clinical testing. Allele origin: germline. Affected: yes.

GeneDx
Classification: Likely benign. Last evaluated: 2017-05-04. Review status: criteria provided, single submitter. Criteria: GeneDx Variant Classification (06012015). Collection method: clinical testing. Allele origin: germline. Affected: yes.
Comment: This variant is considered likely benign or benign based on one or more of the following criteria: it is a conservative change, it occurs at a poorly conserved position in the protein, it is predicted to be benign by multiple in silico algorithms, and/or has population frequency not consistent with disease.